The following is an entry in ClinVar:

ClinVar aggregate classification (germline): Uncertain significance (1 of 4 stars; one submission).

Conditions:
Oligodontia-cancer predisposition syndrome. Also called: TOOTH AGENESIS-COLORECTAL CANCER SYNDROME. Identifiers: Orphanet 300576, MedGen C1837750, MONDO:0012075, OMIM 608615. Disease mechanism: loss of function.

Submission:

Labcorp Genetics (formerly Invitae), Labcorp
Classification: Uncertain significance for Oligodontia-cancer predisposition syndrome. Last evaluated: 2023-04-21. Review status: criteria provided, single submitter. Criteria: Invitae Variant Classification Sherloc (09022015). Collection method: clinical testing. Allele origin: germline.
Comment: In summary, the available evidence is currently insufficient to determine the role of this variant in disease. Therefore, it has been classified as a Variant of Uncertain Significance. Advanced modeling of protein sequence and biophysical properties (such as structural, functional, and spatial information, amino acid conservation, physicochemical variation, residue mobility, and thermodynamic stability) performed at Invitae indicates that this missense variant is not expected to disrupt AXIN2 protein function. ClinVar contains an entry for this variant (Variation ID: 1017923). This variant has not been reported in the literature in individuals affected with AXIN2-related conditions. This variant is not present in population databases (gnomAD no frequency). This sequence change replaces serine, which is neutral and polar, with proline, which is neutral and non-polar, at codon 559 of the AXIN2 protein (p.Ser559Pro).

NM_004655.4(AXIN2):c.1675T>C (p.Ser559Pro)

Gene: AXIN2 (axin 2; minus strand). Cytogenetic location: 17q24.1.
Variant type: single nucleotide variant.
Coding change: c.1675T>C on transcript NM_004655.4 (MANE Select); coding-DNA position 1675, T replaced by C.
Protein change: p.Ser559Pro; replaces serine 559 with proline.
Molecular consequence: missense variant.
Genome position (GRCh38, 1-based): chr17:65,537,361, A>G on the plus strand (T>C on the coding strand, the complement: AXIN2 is on the minus strand). VCF-style: chr17-65537361-A-G. GRCh37 (hg19) VCF-style: chr17-63533479-A-G.
Other names: c.1675T>C, p.Ser559Pro (NM_001363813.1); short protein forms S559P.
Identifiers: ClinVar variation 1017923 (VCV001017923.8), dbSNP rs2043945483, ClinGen allele CA400676860.